The following is an entry in ClinVar:

NM_001079802.2(FKTN):c.256_257del (p.Asn86fs)

Gene: FKTN (fukutin; plus strand). Cytogenetic location: 9q31.2.
Variant type: Deletion.
Coding change: c.256_257del on transcript NM_001079802.2 (MANE Select); coding-DNA positions 256 to 257, 2 bases deleted (AA; older notation c.256_257delAA).
Protein change: p.Asn86fs; shifts the reading frame from asparagine 86.
Molecular consequence: frameshift variant. On other transcripts: non-coding transcript variant (2), 5 prime UTR variant (4).
Genome position (GRCh38, 1-based): chr9:105,601,235-105,601,236, AA deleted. VCF-style (leftmost placement, unchanged base first): chr9-105601234-GAA-G. GRCh37 (hg19) VCF-style: chr9-108363515-GAA-G.
Other names: c.256_257del, p.Asn86fs (NM_001198963.2, NM_001351496.2, NM_001351498.2 and 1 more transcripts); c.187_188del, p.Asn63fs (NM_001351497.2); c.-259_-258del (NM_001351499.2, NM_001351500.2, NM_001351501.2 and 1 more transcripts); short protein forms N86fs, N63fs.
Identifiers: ClinVar variation 2994202 (VCV002994202.4), dbSNP rs2539334846, ClinGen allele CA2740095545.

ClinVar aggregate classification (germline): Pathogenic. Review status: criteria provided, multiple submitters, no conflicts (2 of 4 stars). 2 submissions from 2 submitters: Pathogenic (2). Last evaluated 2023-11-30.

Conditions:
Walker-Warburg congenital muscular dystrophy. Also called: Muscular dystrophy-dystroglycanopathy, type A; Walker-Warburg syndrome. Identifiers: Orphanet 899, MedGen C0265221, MONDO:0000171.
Myopathy caused by variation in FKTN. Identifiers: MedGen CN305638, MONDO:0700067.

Submissions (2):

Myriad Genetics, Inc.
Classification: Pathogenic for Myopathy caused by variation in FKTN. Last evaluated: 2023-11-30. Review status: criteria provided, single submitter. Criteria: Myriad Autosomal Dominant, Autosomal Recessive and X-Linked Classification Criteria (2023). Collection method: clinical testing. Allele origin: unknown.
Comment: NM_001079802.1(FKTN):c.256_257delAA(N86Lfs*2) is expected to be pathogenic in the context of FKTN-related disorders. This variant is predicted to lead to an abnormal or absent protein product due to the creation of a premature termination codon in FKTN, a gene where loss-of-function variants are known to be pathogenic. Please note: this variant was assessed in the context of healthy population screening.

Labcorp Genetics (formerly Invitae), Labcorp
Classification: Pathogenic for Walker-Warburg congenital muscular dystrophy. Last evaluated: 2023-09-15. Review status: criteria provided, single submitter. Criteria: Invitae Variant Classification Sherloc (09022015). Collection method: clinical testing. Allele origin: germline.
Comment: For these reasons, this variant has been classified as Pathogenic. This variant has not been reported in the literature in individuals affected with FKTN-related conditions. This variant is not present in population databases (gnomAD no frequency). This sequence change creates a premature translational stop signal (p.Asn86Leufs*2) in the FKTN gene. It is expected to result in an absent or disrupted protein product. Loss-of-function variants in FKTN are known to be pathogenic (PMID: 17044012, 17878207, 18752264).

Literature cited by the submitters: PubMed 17044012 (cited by Labcorp Genetics (formerly Invitae), Labcorp); PubMed 17878207 (cited by Labcorp Genetics (formerly Invitae), Labcorp); PubMed 18752264 (cited by Labcorp Genetics (formerly Invitae), Labcorp).